The following is an entry in ClinVar:

ClinVar aggregate classification (germline): Uncertain significance (1 of 4 stars; one submission).

Conditions:
Epidermodysplasia verruciformis. Identifiers: Orphanet 302, MedGen C0014522, MONDO:0009176.

Allele frequency attached by ClinVar (database versions not stated): gnomAD exomes 0.00001; TOPMed 0.00001; gnomAD 0.00002 and 0.00003; ExAC 0.00004; 1000 Genomes Project 0.00020; 1000 Genomes Project 30x 0.00031.

Submission:

Labcorp Genetics (formerly Invitae), Labcorp
Classification: Uncertain significance for Epidermodysplasia verruciformis. Last evaluated: 2020-02-11. Review status: criteria provided, single submitter. Criteria: Invitae Variant Classification Sherloc (09022015). Collection method: clinical testing. Allele origin: germline.
Comment: Algorithms developed to predict the effect of missense changes on protein structure and function are either unavailable or do not agree on the potential impact of this missense change (SIFT: "Not Available"; PolyPhen-2: "Possibly Damaging"; Align-GVGD: "Not Available"). In summary, the available evidence is currently insufficient to determine the role of this variant in disease. Therefore, it has been classified as a Variant of Uncertain Significance. This variant has not been reported in the literature in individuals with TMC6-related conditions. This variant is present in population databases (rs566431890, ExAC 0.02%). This sequence change replaces arginine with cysteine at codon 231 of the TMC6 protein (p.Arg231Cys). The arginine residue is weakly conserved and there is a large physicochemical difference between arginine and cysteine.

NM_001127198.5(TMC6):c.691C>T (p.Arg231Cys)

Gene: TMC6 (transmembrane channel like 6; minus strand). Cytogenetic location: 17q25.3.
Variant type: single nucleotide variant.
Coding change: c.691C>T on transcript NM_001127198.5 (MANE Select); coding-DNA position 691, C replaced by T.
Protein change: p.Arg231Cys; replaces arginine 231 with cysteine.
Molecular consequence: missense variant.
Genome position (GRCh38, 1-based): chr17:78,124,724, G>A on the plus strand (C>T on the coding strand, the complement: TMC6 is on the minus strand). VCF-style: chr17-78124724-G-A. GRCh37 (hg19) VCF-style: chr17-76120805-G-A.
Other names: c.691C>T, p.Arg231Cys (NM_001321185.1, NM_001374593.1, NM_001374594.1 and 4 more transcripts); short protein forms R231C.
Identifiers: ClinVar variation 1057437 (VCV001057437.7), dbSNP rs566431890, ClinGen allele CA8796030.